The following is an entry in ClinVar:

NM_001134407.3(GRIN2A):c.-190C>G

Gene: GRIN2A (glutamate ionotropic receptor NMDA type subunit 2A; minus strand). Cytogenetic location: 16p13.2.
Variant type: single nucleotide variant.
Coding change: c.-190C>G on transcript NM_001134407.3 (MANE Select); 190 bases upstream of the start codon, C replaced by G.
Molecular consequence: 5 prime UTR variant.
Genome position (GRCh38, 1-based): chr16:10,182,048, G>C on the plus strand (C>G on the coding strand, the complement: GRIN2A is on the minus strand). VCF-style: chr16-10182048-G-C. GRCh37 (hg19) VCF-style: chr16-10275905-G-C.
Other names: c.-190C>G (NM_000833.5, NM_001134408.2).
Identifiers: ClinVar variation 377933 (VCV000377933.1), dbSNP rs771301601, ClinGen allele CA16607098.
Genomic context (GRCh38, chr16:10,182,048, plus strand): 5'-CGCTCCCCTGGCTGTCCCGCGCTGTCCGCATCGCCCCCACGGGGGGCGGCTATCCCAGCC[G>C]GAGGCTCTGCAGCAGGGCTCTAACGGGGCGGAGGAGAGAAGGAGAGGCAGGGTCAGCCCA-3'

ClinVar aggregate classification (germline): Likely benign (1 of 4 stars; one submission).

Allele frequency attached by ClinVar (database versions not stated): TOPMed 0.00023.

Submission:

GeneDx
Classification: Likely benign. Last evaluated: 2017-12-05. Review status: criteria provided, single submitter. Criteria: GeneDx Variant Classification (06012015). Collection method: clinical testing. Allele origin: germline. Affected: yes.
Comment: This variant is considered likely benign or benign based on one or more of the following criteria: it is a conservative change, it occurs at a poorly conserved position in the protein, it is predicted to be benign by multiple in silico algorithms, and/or has population frequency not consistent with disease.